The following is an entry in ClinVar:

ClinVar aggregate classification (germline): Uncertain significance. Review status: criteria provided, multiple submitters, no conflicts (2 of 4 stars). 3 submissions from 3 submitters: Uncertain significance (3). Last evaluated 2025-04-27.

Conditions:
Inborn genetic diseases. Identifiers: MedGen C0950123, MeSH D030342.

Allele frequency attached by ClinVar (database versions not stated): TOPMed below 0.00001; gnomAD 0.00001; ExAC 0.00004; gnomAD exomes 0.00001 and 0.00003.
gnomAD v4.1: 20 of 1,614,030 alleles (0.0012%); highest among the groups gnomAD compares: Non-Finnish European, 0.0014%; no homozygotes.

Submissions (3):

Labcorp Genetics (formerly Invitae), Labcorp
Classification: Uncertain significance. Last evaluated: 2025-04-27. Review status: criteria provided, single submitter. Criteria: Invitae Variant Classification Sherloc (09022015). Collection method: clinical testing. Allele origin: germline.
Comment: This sequence change replaces isoleucine, which is neutral and non-polar, with threonine, which is neutral and polar, at codon 157 of the SAMD9 protein (p.Ile157Thr). This variant is present in population databases (rs751420980, gnomAD 0.02%). This variant has not been reported in the literature in individuals affected with SAMD9-related conditions. ClinVar contains an entry for this variant (Variation ID: 1424082). Invitae Evidence Modeling of protein sequence and biophysical properties (such as structural, functional, and spatial information, amino acid conservation, physicochemical variation, residue mobility, and thermodynamic stability) indicates that this missense variant is not expected to disrupt SAMD9 protein function with a negative predictive value of 95%. In summary, the available evidence is currently insufficient to determine the role of this variant in disease. Therefore, it has been classified as a Variant of Uncertain Significance.

Ambry Genetics
Classification: Uncertain significance for Inborn genetic diseases. Last evaluated: 2025-02-08. Review status: criteria provided, single submitter. Criteria: Ambry Variant Classification Scheme 2023. Collection method: clinical testing. Allele origin: germline.
Comment: The p.I157T variant (also known as c.470T>C), located in coding exon 1 of the SAMD9 gene, results from a T to C substitution at nucleotide position 470. The isoleucine at codon 157 is replaced by threonine, an amino acid with similar properties. This amino acid position is conserved. In addition, this alteration is predicted to be tolerated by in silico analysis. Based on the available evidence, the clinical significance of this variant remains unclear.

GeneDx
Classification: Uncertain significance. Last evaluated: 2022-09-27. Review status: criteria provided, single submitter. Criteria: GeneDx Variant Classification Process June 2021. Collection method: clinical testing. Allele origin: germline. Affected: yes.
Comment: In silico analysis supports that this missense variant does not alter protein structure/function; Has not been previously published as pathogenic or benign to our knowledge

NM_017654.4(SAMD9):c.470T>C (p.Ile157Thr)

Gene: SAMD9 (sterile alpha motif domain containing 9; minus strand). Cytogenetic location: 7q21.2.
Variant type: single nucleotide variant.
Coding change: c.470T>C on transcript NM_017654.4 (MANE Select); coding-DNA position 470, T replaced by C.
Protein change: p.Ile157Thr; replaces isoleucine 157 with threonine.
Molecular consequence: missense variant.
Genome position (GRCh38, 1-based): chr7:93,105,628, A>G on the plus strand (T>C on the coding strand, the complement: SAMD9 is on the minus strand). VCF-style: chr7-93105628-A-G. GRCh37 (hg19) VCF-style: chr7-92734941-A-G.
Other names: c.470T>C (NM_017654.3); c.470T>C, p.Ile157Thr (NM_001193307.2); short protein forms I157T.
Identifiers: ClinVar variation 1424082 (VCV001424082.7), dbSNP rs751420980, ClinGen allele CA4343138.